The following is an entry in ClinVar:

ClinVar aggregate classification (germline): Likely benign. Review status: criteria provided, multiple submitters, no conflicts (2 of 4 stars). 2 submissions from 2 submitters: Likely benign (2). Last evaluated 2025-12-01.

Conditions:
Heterotopia, periventricular, X-linked dominant (PVNH1). Also called: PERIVENTRICULAR NODULAR HETEROTOPIA 4; HETEROTOPIA, PERIVENTRICULAR, 1; PERIVENTRICULAR NODULAR HETEROTOPIA 1; X-linked periventricular heterotopia. Identifiers: Orphanet 2149, Orphanet 82004, MedGen C1848213, MONDO:0010233, OMIM 300049.
Oto-palato-digital syndrome, type II (OPD2). Also called: Otopalatodigital Syndrome, Type II; Otopalatodigital Syndrome Type 2 (FLNA-OPD2); FACIOPALATOOSSEOUS SYNDROME; OPD II SYNDROME. Identifiers: Orphanet 669, Orphanet 90652, MedGen C1844696, MONDO:0010571, OMIM 304120.
Frontometaphyseal dysplasia (FMD1). Identifiers: Orphanet 1826, MedGen C0265293, MONDO:0015942.
Melnick-Needles syndrome (MNS). Also called: Melnick-Needles Syndrome (FLNA-MNS); MELNICK-NEEDLES OSTEODYSPLASTY; OSTEODYSPLASTY OF MELNICK AND NEEDLES. Identifiers: Orphanet 2484, MedGen C0025237, MONDO:0010650, OMIM 309350.

Allele frequency attached by ClinVar (database versions not stated): gnomAD exomes below 0.00001 and 0.00002; ExAC 0.00001; gnomAD 0.00001.
gnomAD v4.1: 5 of 1,209,544 alleles (0.00041%); highest among the groups gnomAD compares: East Asian, 0.015%; no homozygotes.

Submissions (2):

Labcorp Genetics (formerly Invitae), Labcorp
Classification: Likely benign for Oto-palato-digital syndrome, type II; Heterotopia, periventricular, X-linked dominant; Frontometaphyseal dysplasia; Melnick-Needles syndrome. Last evaluated: 2025-12-01. Review status: criteria provided, single submitter. Criteria: Invitae Variant Classification Sherloc (09022015). Collection method: clinical testing. Allele origin: germline.

GeneDx
Classification: Likely benign. Last evaluated: 2016-12-20. Review status: criteria provided, single submitter. Criteria: GeneDx Variant Classification (06012015). Collection method: clinical testing. Allele origin: germline. Affected: yes.
Comment: This variant is considered likely benign or benign based on one or more of the following criteria: it is a conservative change, it occurs at a poorly conserved position in the protein, it is predicted to be benign by multiple in silico algorithms, and/or has population frequency not consistent with disease.

NM_001110556.2(FLNA):c.2137-19G>A

Gene: FLNA (filamin A; minus strand). Cytogenetic location: Xq28.
Variant type: single nucleotide variant.
Coding change: c.2137-19G>A on transcript NM_001110556.2 (MANE Select); 19 bases into the intron before coding-DNA position 2137, G replaced by A.
Molecular consequence: intron variant.
Genome position (GRCh38, 1-based): chrX:154,364,184, C>T on the plus strand (G>A on the coding strand, the complement: FLNA is on the minus strand). VCF-style: chrX-154364184-C-T. GRCh37 (hg19) VCF-style: chrX-153592552-C-T.
Other names: c.2137-19G>A (NM_001456.4).
Identifiers: ClinVar variation 391865 (VCV000391865.6), dbSNP rs781900521, ClinGen allele CA10561000.